The following is an entry in ClinVar:

ClinVar aggregate classification (germline): Pathogenic (1 of 4 stars; one submission).

Conditions:
Progressive myoclonic epilepsy. Also called: Myoclonic Epilepsies, Progressive; Myoclonus epilepsy; Familial progressive myoclonic epilepsy; Progressive myoclonus epilepsy. Identifiers: Orphanet 308, Orphanet 98261, MedGen C0751778, MONDO:0020074.

Allele frequency attached by ClinVar (database versions not stated): gnomAD exomes below 0.00001.
gnomAD v4.1: 1 of 1,549,880 alleles (0.000065%); highest among the groups gnomAD compares: Non-Finnish European, 0.000087%; no homozygotes.

Submission:

Labcorp Genetics (formerly Invitae), Labcorp
Classification: Pathogenic for Progressive myoclonic epilepsy. Last evaluated: 2022-10-17. Review status: criteria provided, single submitter. Criteria: Invitae Variant Classification Sherloc (09022015). Collection method: clinical testing. Allele origin: germline.
Comment: This sequence change creates a premature translational stop signal (p.Gln6*) in the GOSR2 gene. It is expected to result in an absent or disrupted protein product. Loss-of-function variants in GOSR2 are known to be pathogenic (PMID: 21549339). This variant is not present in population databases (gnomAD no frequency). For these reasons, this variant has been classified as Pathogenic. ClinVar contains an entry for this variant (Variation ID: 1410870). This variant has not been reported in the literature in individuals affected with GOSR2-related conditions.

Literature cited by the submitters: PubMed 21549339.

NM_004287.5(GOSR2):c.16C>T (p.Gln6Ter)

Genes: GOSR2 (golgi SNAP receptor complex member 2; plus strand), LRRC37A2 (leucine rich repeat containing 37 member A2). Cytogenetic location: 17q21.32.
Variant type: single nucleotide variant.
Coding change: c.16C>T on transcript NM_004287.5 (MANE Select); coding-DNA position 16, C replaced by T.
Protein change: p.Gln6Ter; replaces glutamine 6 with a stop codon.
Molecular consequence: nonsense. On other transcripts: 5 prime UTR variant (2), non-coding transcript variant (3).
Genome position (GRCh38, 1-based): chr17:46,923,208, C>T. VCF-style: chr17-46923208-C-T. GRCh37 (hg19) VCF-style: chr17-45000574-C-T.
Other names: c.16C>T, p.Gln6Ter (NM_001012511.3, NM_001321133.2, NM_001330252.2 and 4 more transcripts); c.-87C>T (NM_001321134.2); c.-450C>T (NM_001363851.2); short protein forms Q6*.
Identifiers: ClinVar variation 1410870 (VCV001410870.6), dbSNP rs2146691974, ClinGen allele CA400015699.